The following is an entry in ClinVar:

ClinVar aggregate classification (germline): Uncertain significance (1 of 4 stars; one submission).

Submission:

Mayo Clinic Laboratories, Mayo Clinic
Classification: Uncertain significance. Last evaluated: 2024-06-11. Review status: criteria provided, single submitter. Criteria: ACMG Guidelines, 2015. Collection method: clinical testing. Allele origin: germline. Observed: 2 variant alleles.
Comment: BP4, PM2

NM_001009944.3(PKD1):c.782G>A (p.Gly261Asp)

Gene: PKD1 (polycystin 1, transient receptor potential channel interacting; minus strand). Cytogenetic location: 16p13.3.
Variant type: single nucleotide variant.
Coding change: c.782G>A on transcript NM_001009944.3 (MANE Select); coding-DNA position 782, G replaced by A.
Protein change: p.Gly261Asp; replaces glycine 261 with aspartic acid.
Molecular consequence: missense variant.
Genome position (GRCh38, 1-based): chr16:2,118,210, C>T on the plus strand (G>A on the coding strand, the complement: PKD1 is on the minus strand). VCF-style: chr16-2118210-C-T. GRCh37 (hg19) VCF-style: chr16-2168211-C-T.
Other names: p.Gly261Asp; c.782G>A, p.Gly261Asp (NM_000296.4); short protein forms G261D.
Identifiers: ClinVar variation 3380361 (VCV003380361.1).